The following is an entry in ClinVar:

NM_004991.4(MECOM):c.2516C>G (p.Pro839Arg)

Gene: MECOM (MDS1 and EVI1 complex locus; minus strand). Cytogenetic location: 3q26.2.
Variant type: single nucleotide variant.
Coding change: c.2516C>G on transcript NM_004991.4 (MANE Select); coding-DNA position 2516, C replaced by G.
Protein change: p.Pro839Arg; replaces proline 839 with arginine.
Molecular consequence: missense variant.
Genome position (GRCh38, 1-based): chr3:169,112,848, G>C on the plus strand (C>G on the coding strand, the complement: MECOM is on the minus strand). VCF-style: chr3-169112848-G-C. GRCh37 (hg19) VCF-style: chr3-168830636-G-C.
Other names: c.2147C>G, p.Pro716Arg (NM_001105077.4); c.1952C>G, p.Pro651Arg (NM_001105078.4, NM_001164000.2, NM_001205194.2 and 4 more transcripts); c.1955C>G, p.Pro652Arg (NM_001163999.2, NM_001366467.2, NM_001366468.2 and 1 more transcripts); c.2516C>G, p.Pro839Arg (NM_001366466.2); c.1544C>G, p.Pro515Arg (NM_001366473.2); c.980C>G, p.Pro327Arg (NM_001366474.2); short protein forms P716R, P327R, P515R, P839R, P652R, P651R.
Identifiers: ClinVar variation 4053327 (VCV004053327.1).

ClinVar aggregate classification (germline): Uncertain significance (1 of 4 stars; one submission).

Conditions:
Inborn genetic diseases. Identifiers: MedGen C0950123, MeSH D030342.

Submission:

Ambry Genetics
Classification: Uncertain significance for Inborn genetic diseases. Last evaluated: 2025-06-08. Review status: criteria provided, single submitter. Criteria: Ambry Variant Classification Scheme 2023. Collection method: clinical testing. Allele origin: germline.
Comment: The p.P839R variant (also known as c.2516C>G), located in coding exon 9 of the MECOM gene, results from a C to G substitution at nucleotide position 2516. The proline at codon 839 is replaced by arginine, an amino acid with dissimilar properties. This amino acid position is conserved. In addition, the in silico prediction for this alteration is inconclusive. Based on the available evidence, the clinical significance of this variant remains unclear.